The following is an entry in ClinVar:

NM_001080449.3(DNA2):c.1912C>A (p.Leu638Ile)

Gene: DNA2 (DNA replication helicase/nuclease 2; minus strand). Cytogenetic location: 10q21.3.
Variant type: single nucleotide variant.
Coding change: c.1912C>A on transcript NM_001080449.3 (MANE Select); coding-DNA position 1912, C replaced by A.
Protein change: p.Leu638Ile; replaces leucine 638 with isoleucine.
Molecular consequence: missense variant. On other transcripts: non-coding transcript variant (1).
Genome position (GRCh38, 1-based): chr10:68,431,933, G>T on the plus strand (C>A on the coding strand, the complement: DNA2 is on the minus strand). VCF-style: chr10-68431933-G-T. GRCh37 (hg19) VCF-style: chr10-70191690-G-T.
Other names: short protein forms L638I.
Identifiers: ClinVar variation 2710903 (VCV002710903.3), dbSNP rs2493927769, ClinGen allele CA376855546.

ClinVar aggregate classification (germline): Uncertain significance (1 of 4 stars; one submission).

Submission:

Labcorp Genetics (formerly Invitae), Labcorp
Classification: Uncertain significance. Last evaluated: 2024-01-29. Review status: criteria provided, single submitter. Criteria: Invitae Variant Classification Sherloc (09022015). Collection method: clinical testing. Allele origin: germline.
Comment: This sequence change replaces leucine, which is neutral and non-polar, with isoleucine, which is neutral and non-polar, at codon 638 of the DNA2 protein (p.Leu638Ile). This variant is not present in population databases (gnomAD no frequency). This variant has not been reported in the literature in individuals affected with DNA2-related conditions. Advanced modeling of protein sequence and biophysical properties (such as structural, functional, and spatial information, amino acid conservation, physicochemical variation, residue mobility, and thermodynamic stability) performed at Invitae indicates that this missense variant is not expected to disrupt DNA2 protein function with a negative predictive value of 80%. Algorithms developed to predict the effect of sequence changes on RNA splicing suggest that this variant may disrupt the consensus splice site. In summary, the available evidence is currently insufficient to determine the role of this variant in disease. Therefore, it has been classified as a Variant of Uncertain Significance.